The following is an entry in ClinVar:

ClinVar aggregate classification (germline): Uncertain significance (1 of 4 stars; one submission).

Allele frequency attached by ClinVar (database versions not stated): gnomAD exomes below 0.00001.
gnomAD v4.1: 4 of 1,614,228 alleles (0.00025%); highest among the groups gnomAD compares: Non-Finnish European, 0.00034%; no homozygotes.

Submission:

Labcorp Genetics (formerly Invitae), Labcorp
Classification: Uncertain significance. Last evaluated: 2022-02-10. Review status: criteria provided, single submitter. Criteria: Invitae Variant Classification Sherloc (09022015). Collection method: clinical testing. Allele origin: germline.
Comment: In summary, the available evidence is currently insufficient to determine the role of this variant in disease. Therefore, it has been classified as a Variant of Uncertain Significance. Algorithms developed to predict the effect of missense changes on protein structure and function are either unavailable or do not agree on the potential impact of this missense change (SIFT: "Not Available"; PolyPhen-2: "Benign"; Align-GVGD: "Not Available"). This variant has not been reported in the literature in individuals affected with GZF1-related conditions. This variant is not present in population databases (gnomAD no frequency). This sequence change replaces leucine, which is neutral and non-polar, with phenylalanine, which is neutral and non-polar, at codon 196 of the GZF1 protein (p.Leu196Phe).

NM_022482.5(GZF1):c.588G>C (p.Leu196Phe)

Gene: GZF1 (GDNF inducible zinc finger protein 1; plus strand). Cytogenetic location: 20p11.21.
Variant type: single nucleotide variant.
Coding change: c.588G>C on transcript NM_022482.5 (MANE Select); coding-DNA position 588, G replaced by C.
Protein change: p.Leu196Phe; replaces leucine 196 with phenylalanine.
Molecular consequence: missense variant.
Genome position (GRCh38, 1-based): chr20:23,364,971, G>C. VCF-style: chr20-23364971-G-C. GRCh37 (hg19) VCF-style: chr20-23345608-G-C.
Other names: c.588G>C, p.Leu196Phe (NM_001317012.2, NM_001317019.1); short protein forms L196F.
Identifiers: ClinVar variation 1365652 (VCV001365652.8), dbSNP rs2123036947, ClinGen allele CA408409883.